The following is an entry in ClinVar:

NM_023110.3(FGFR1):c.66G>C (p.Arg22Ser)

Gene: FGFR1 (fibroblast growth factor receptor 1; minus strand). Cytogenetic location: 8p11.23.
Variant type: single nucleotide variant.
Coding change: c.66G>C on transcript NM_023110.3 (MANE Select); coding-DNA position 66, G replaced by C.
Protein change: p.Arg22Ser; replaces arginine 22 with serine.
Molecular consequence: missense variant. On other transcripts: 5 prime UTR variant (1).
Genome position (GRCh38, 1-based): chr8:38,457,381, C>G on the plus strand (G>C on the coding strand, the complement: FGFR1 is on the minus strand). VCF-style: chr8-38457381-C-G. GRCh37 (hg19) VCF-style: chr8-38314899-C-G.
Other names: c.66G>C, p.Arg22Ser (NM_001174063.2, NM_001174065.2, NM_001174066.2 and 7 more transcripts); c.-27G>C (NM_001174064.2); c.165G>C, p.Arg55Ser (NM_001174067.2); short protein forms R22S, R55S.
Identifiers: ClinVar variation 1169510 (VCV001169510.18), dbSNP rs17175750, ClinGen allele CA4718944.

ClinVar aggregate classification (germline): Conflicting classifications of pathogenicity. Review status: criteria provided, conflicting classifications (1 of 4 stars). 8 submissions from 8 submitters: Uncertain significance (1); Benign (3); Likely benign (2). 2 of the submissions do not count toward it. Last evaluated 2026-01-06.

Conditions:
Osteoglophonic dysplasia (OGD). Also called: Osteoglophonic dwarfism. Identifiers: Orphanet 2645, MedGen C0432283, MONDO:0008150, OMIM 166250.
FGFR1-related disorder. Also called: FGFR1-related condition; FGFR1-related disorders. Identifiers: MedGen CN380097.
Hypogonadotropic hypogonadism. Also called: Hypogonadotrophic hypogonadism; Isolated hypogonadotropic hypogonadism; Low gonadotropins (secondary hypogonadism); Hypogonadotropic hypogonadism with or without anosmia. Identifiers: Orphanet 432, MedGen C0271623, MONDO:0018555, HP:0000044.
Pfeiffer syndrome (ACS5). Also called: ACS V. Identifiers: Orphanet 710, MedGen C0220658, MONDO:0007043, OMIM 101600.
Hypogonadotropic hypogonadism 2 with or without anosmia (HH2). Also called: FGFR1-Related GnRH Deficiency (Kallmann Syndrome 2); HYPOGONADOTROPIC HYPOGONADISM 2 WITH OR WITHOUT ANOSMIA, SUSCEPTIBILITY TO; HYPOGONADOTROPIC HYPOGONADISM 2 WITHOUT ANOSMIA, SUSCEPTIBILITY TO; HYPOGONADOTROPIC HYPOGONADISM 2 WITHOUT ANOSMIA. Identifiers: Orphanet 478, MedGen C1563720, MONDO:0007844, OMIM 147950. Disease mechanism: loss of function.

Allele frequency attached by ClinVar (database versions not stated): gnomAD 0.00001 and 0.00028; ESP Exome Variant Server 0.00008; 1000 Genomes Project 0.00280; ExAC 0.00136; 1000 Genomes Project 30x 0.00297; TOPMed 0.00007; gnomAD exomes 0.00113.
gnomAD v4.1: 769 of 1,613,740 alleles (0.048%); highest among the groups gnomAD compares: South Asian, 0.79%; 7 homozygotes.

Submissions (8):

Labcorp Genetics (formerly Invitae), Labcorp
Classification: Benign for Pfeiffer syndrome; Hypogonadotropic hypogonadism 2 with or without anosmia. Last evaluated: 2026-01-06. Review status: criteria provided, single submitter. Criteria: Invitae Variant Classification Sherloc (09022015). Collection method: clinical testing. Allele origin: germline.

Cambridge Genomics Laboratory, East Genomic Laboratory Hub, NHS Genomic Medicine Service
Classification: Uncertain significance for Hypogonadotropic hypogonadism. Last evaluated: 2025-06-11. Review status: criteria provided, single submitter. Criteria: ACGS Best Practice Guidelines for Variant Classification in Rare Disease 2020. Collection method: clinical testing. Allele origin: germline. Affected: yes.
Comment: BS1_Strong

Blueprint Genetics
Classification: Likely benign. Last evaluated: 2024-11-21. Review status: criteria provided, single submitter. Criteria: ACMG Guidelines, 2015. Collection method: clinical testing. Allele origin: germline.

Laboratory for Molecular Medicine, Mass General Brigham Personalized Medicine
Classification: Benign. Last evaluated: 2023-12-18. Review status: criteria provided, single submitter. Criteria: ACMG Guidelines, 2015. Collection method: clinical testing. Allele origin: germline.
Comment: The p.Arg55Ser variant in FGFR1 is classified as benign because it has been identified in 0.79% (716/91080) of South Asian chromosomes by gnomAD, including 7 homozygotes (v.4.0.0). ACMG/AMP Criteria applied: BA1.

Athena Diagnostics
Classification: Benign. Last evaluated: 2021-03-03. Review status: criteria provided, single submitter. Criteria: Athena Diagnostics criteria. Collection method: clinical testing. Allele origin: unknown.

GeneDx
Classification: Likely benign. Last evaluated: 2020-12-01. Review status: criteria provided, single submitter. Criteria: GeneDx Variant Classification Process June 2021. Collection method: clinical testing. Allele origin: germline. Affected: yes.
Comment: In silico analysis supports that this missense variant has a deleterious effect on protein structure/function; This variant is associated with the following publications: (PMID: 26708526)

PreventionGenetics, part of Exact Sciences
Classification: Likely benign for FGFR1-related condition. Last evaluated: 2024-07-05. Review status: no assertion criteria provided. Collection method: clinical testing. Allele origin: germline. Not counted in ClinVar's aggregate classification.
Comment: This variant is classified as likely benign based on ACMG/AMP sequence variant interpretation guidelines (Richards et al. 2015 PMID: 25741868, with internal and published modifications).

Laboratory of Cyto-molecular Genetics, Department of Anatomy, All India Institute of Medical Sciences (AIIMS), New Delhi
Classification: Likely pathogenic for Osteoglophonic dysplasia. Last evaluated: 2022-03-07. Review status: flagged submission. Criteria: ACMG Guidelines, 2015. Collection method: clinical testing. Allele origin: germline. Affected: yes. Observed: 2 variant alleles. Not counted in ClinVar's aggregate classification.
Comment: p.(Arg55Ser),missense variant
ClinVar note: Reason: Outlier claim with insufficient supporting evidence

Literature cited by the submitters: PubMed 26708526 (cited by Athena Diagnostics); PubMed 35738466 (cited by Laboratory of Cyto-molecular Genetics, Department of Anatomy, All India Institute of Medical Sciences (AIIMS), New Delhi).